The following is an entry in ClinVar:

NM_000875.5(IGF1R):c.4037A>G (p.Tyr1346Cys)

Gene: IGF1R (insulin like growth factor 1 receptor; plus strand). Cytogenetic location: 15q26.3.
Variant type: single nucleotide variant.
Coding change: c.4037A>G on transcript NM_000875.5 (MANE Select); coding-DNA position 4037, A replaced by G.
Protein change: p.Tyr1346Cys; replaces tyrosine 1346 with cysteine.
Molecular consequence: missense variant.
Genome position (GRCh38, 1-based): chr15:98,957,375, A>G. VCF-style: chr15-98957375-A-G. GRCh37 (hg19) VCF-style: chr15-99500604-A-G.
Other names: c.4034A>G, p.Tyr1345Cys (NM_001291858.2); short protein forms Y1346C, Y1345C.
Identifiers: ClinVar variation 4732178 (VCV004732178.1).

ClinVar aggregate classification (germline): Uncertain significance (1 of 4 stars; one submission).

Submission:

Labcorp Genetics (formerly Invitae), Labcorp
Classification: Uncertain significance. Last evaluated: 2025-11-28. Review status: criteria provided, single submitter. Criteria: Invitae Variant Classification Sherloc (09022015). Collection method: clinical testing. Allele origin: germline.
Comment: This sequence change replaces tyrosine, which is neutral and polar, with cysteine, which is neutral and slightly polar, at codon 1346 of the IGF1R protein (p.Tyr1346Cys). This variant is not present in population databases (gnomAD no frequency). This variant has not been reported in the literature in individuals affected with IGF1R-related conditions. An algorithm developed to predict the effect of missense changes on protein structure and function (PolyPhen-2) suggests that this variant is likely to be disruptive. In summary, the available evidence is currently insufficient to determine the role of this variant in disease. Therefore, it has been classified as a Variant of Uncertain Significance.